The following is an entry in ClinVar:

NM_000075.4(CDK4):c.127G>A (p.Gly43Arg)

Genes: CDK4 (cyclin dependent kinase 4; minus strand), LOC130008148 (ATAC-STARR-seq lymphoblastoid silent region 4588; plus strand). Cytogenetic location: 12q14.1.
Variant type: single nucleotide variant.
Coding change: c.127G>A on transcript NM_000075.4 (MANE Select); coding-DNA position 127, G replaced by A.
Protein change: p.Gly43Arg; replaces glycine 43 with arginine.
Molecular consequence: missense variant.
Genome position (GRCh38, 1-based): chr12:57,751,591, C>T on the plus strand (G>A on the coding strand, the complement: CDK4 is on the minus strand). VCF-style: chr12-57751591-C-T. GRCh37 (hg19) VCF-style: chr12-58145374-C-T.
Other names: short protein forms G43R.
Identifiers: ClinVar variation 1767614 (VCV001767614.5), dbSNP rs1595111088, ClinGen allele CA385548772.

ClinVar aggregate classification (germline): Uncertain significance. Review status: criteria provided, multiple submitters, no conflicts (2 of 4 stars). 2 submissions from 2 submitters: Uncertain significance (2). Last evaluated 2023-11-24.

Conditions:
Hereditary cancer-predisposing syndrome. Also called: Hereditary Cancer Syndrome; Hereditary neoplastic syndrome; Neoplastic Syndromes, Hereditary; Tumor predisposition. Identifiers: Orphanet 140162, MedGen C0027672, MeSH D009386, MONDO:0015356.
Familial melanoma. Also called: Hereditary melanoma; Hereditary cutaneous melanoma. Identifiers: Orphanet 618, MedGen C1512419, MONDO:0018961.

Submissions (2):

Labcorp Genetics (formerly Invitae), Labcorp
Classification: Uncertain significance for Familial melanoma. Last evaluated: 2023-11-24. Review status: criteria provided, single submitter. Criteria: Invitae Variant Classification Sherloc (09022015). Collection method: clinical testing. Allele origin: germline.
Comment: This sequence change replaces glycine, which is neutral and non-polar, with arginine, which is basic and polar, at codon 43 of the CDK4 protein (p.Gly43Arg). This variant is not present in population databases (gnomAD no frequency). This variant has not been reported in the literature in individuals affected with CDK4-related conditions. ClinVar contains an entry for this variant (Variation ID: 1767614). Advanced modeling of protein sequence and biophysical properties (such as structural, functional, and spatial information, amino acid conservation, physicochemical variation, residue mobility, and thermodynamic stability) performed at Invitae indicates that this missense variant is not expected to disrupt CDK4 protein function with a negative predictive value of 95%. In summary, the available evidence is currently insufficient to determine the role of this variant in disease. Therefore, it has been classified as a Variant of Uncertain Significance.

Ambry Genetics
Classification: Uncertain significance for Hereditary cancer-predisposing syndrome. Last evaluated: 2022-06-03. Review status: criteria provided, single submitter. Criteria: Ambry Variant Classification Scheme 2023. Collection method: clinical testing. Allele origin: germline.
Comment: The p.G43R variant (also known as c.127G>A), located in coding exon 1 of the CDK4 gene, results from a G to A substitution at nucleotide position 127. The glycine at codon 43 is replaced by arginine, an amino acid with dissimilar properties. This amino acid position is not well conserved in available vertebrate species. In addition, this alteration is predicted to be tolerated by in silico analysis. Since supporting evidence is limited at this time, the clinical significance of this alteration remains unclear.